The following is an entry in ClinVar:

NM_005956.4(MTHFD1):c.2721G>A (p.Met907Ile)

Genes: MTHFD1 (methylenetetrahydrofolate dehydrogenase, cyclohydrolase and formyltetrahydrofolate synthetase 1; plus strand), ZBTB25 (zinc finger and BTB domain containing 25; minus strand). Cytogenetic location: 14q23.3.
Variant type: single nucleotide variant.
Coding change: c.2721G>A on transcript NM_005956.4 (MANE Select); coding-DNA position 2721, G replaced by A.
Protein change: p.Met907Ile; replaces methionine 907 with isoleucine.
Molecular consequence: missense variant. On other transcripts: intron variant (2).
Genome position (GRCh38, 1-based): chr14:64,458,216, G>A. VCF-style: chr14-64458216-G-A. GRCh37 (hg19) VCF-style: chr14-64924934-G-A.
Other names: c.2719-1543G>A (NM_001364837.1); c.174-8578C>T (NM_001304508.1); short protein forms M907I.
Identifiers: ClinVar variation 3608842 (VCV003608842.2).

ClinVar aggregate classification (germline): Uncertain significance (1 of 4 stars; one submission).

gnomAD v4.1: 5 of 1,607,826 alleles (0.00031%); highest among the groups gnomAD compares: East Asian, 0.0022%; no homozygotes.

Submission:

Labcorp Genetics (formerly Invitae), Labcorp
Classification: Uncertain significance. Last evaluated: 2025-01-13. Review status: criteria provided, single submitter. Criteria: Invitae Variant Classification Sherloc (09022015). Collection method: clinical testing. Allele origin: germline.
Comment: This sequence change replaces methionine, which is neutral and non-polar, with isoleucine, which is neutral and non-polar, at codon 907 of the MTHFD1 protein (p.Met907Ile). This variant is present in population databases (no rsID available, gnomAD 0.003%). This variant has not been reported in the literature in individuals affected with MTHFD1-related conditions. An algorithm developed to predict the effect of missense changes on protein structure and function (PolyPhen-2) suggests that this variant is likely to be tolerated. In summary, the available evidence is currently insufficient to determine the role of this variant in disease. Therefore, it has been classified as a Variant of Uncertain Significance.